The following is an entry in ClinVar:

ClinVar aggregate classification (germline): Uncertain significance. Review status: criteria provided, multiple submitters, no conflicts (2 of 4 stars). 4 submissions from 4 submitters: Uncertain significance (4). Last evaluated 2025-12-26.

Conditions:
Inborn genetic diseases. Identifiers: MedGen C0950123, MeSH D030342.

gnomAD v4.1: 1 of 1,614,086 alleles (0.000062%); highest among the groups gnomAD compares: African/African-American, 0.0013%; no homozygotes.

Submissions (4):

Labcorp Genetics (formerly Invitae), Labcorp
Classification: Uncertain significance. Last evaluated: 2025-12-26. Review status: criteria provided, single submitter. Criteria: Invitae Variant Classification Sherloc (09022015). Collection method: clinical testing. Allele origin: germline.
Comment: This sequence change replaces alanine, which is neutral and non-polar, with proline, which is neutral and non-polar, at codon 315 of the WHRN protein (p.Ala315Pro). This variant is present in population databases (no rsID available, gnomAD no frequency). This variant has not been reported in the literature in individuals affected with WHRN-related conditions. ClinVar contains an entry for this variant (Variation ID: 228566). An algorithm developed to predict the effect of missense changes on protein structure and function (PolyPhen-2) suggests that this variant is likely to be disruptive. In summary, the available evidence is currently insufficient to determine the role of this variant in disease. Therefore, it has been classified as a Variant of Uncertain Significance.

Blueprint Genetics
Classification: Uncertain significance. Last evaluated: 2023-09-22. Review status: criteria provided, single submitter. Criteria: ACMG Guidelines, 2015. Collection method: clinical testing. Allele origin: germline.

Ambry Genetics
Classification: Uncertain significance for Inborn genetic diseases. Last evaluated: 2021-09-16. Review status: criteria provided, single submitter. Criteria: Ambry Variant Classification Scheme 2023. Collection method: clinical testing. Allele origin: germline.

Laboratory for Molecular Medicine, Mass General Brigham Personalized Medicine
Classification: Uncertain significance. Last evaluated: 2015-03-12. Review status: criteria provided, single submitter. Criteria: LMM Criteria. Collection method: clinical testing. Allele origin: germline. Observed: 1 variant allele.
Comment: The p.Ala315Pro variant in DFNB31 has not been previously reported in individual s with hearing loss or in large population studies. Computational prediction too ls and conservation analysis do not provide strong support for or against an imp act to the protein. In summary, the clinical significance of the p.Ala315Pro var iant is uncertain.

NM_015404.4(WHRN):c.943G>C (p.Ala315Pro)

Gene: WHRN (whirlin; minus strand). Cytogenetic location: 9q32.
Variant type: single nucleotide variant.
Coding change: c.943G>C on transcript NM_015404.4 (MANE Select); coding-DNA position 943, G replaced by C.
Protein change: p.Ala315Pro; replaces alanine 315 with proline.
Molecular consequence: missense variant. On other transcripts: 5 prime UTR variant (1).
Genome position (GRCh38, 1-based): chr9:114,466,287, C>G on the plus strand (G>C on the coding strand, the complement: WHRN is on the minus strand). VCF-style: chr9-114466287-C-G. GRCh37 (hg19) VCF-style: chr9-117228567-C-G.
Other names: c.-207G>C (NM_001083885.3); c.943G>C, p.Ala315Pro (NM_001173425.2); short protein forms A315P.
Identifiers: ClinVar variation 228566 (VCV000228566.13), dbSNP rs876657774, ClinGen allele CA10576742.